The following is an entry in ClinVar:

ClinVar aggregate classification (germline): Conflicting classifications of pathogenicity. Review status: criteria provided, conflicting classifications (1 of 4 stars). 2 submissions from 2 submitters: Likely pathogenic (1); Uncertain significance (1). Last evaluated 2024-03-19.

Conditions:
Cystic fibrosis (CF). Also called: MUCOVISCIDOSIS. Identifiers: Orphanet 586, MedGen C0010674, MONDO:0009061, OMIM 219700. Disease mechanism: loss of function.

Submissions (2):

Women's Health and Genetics/Laboratory Corporation of America, LabCorp
Classification: Uncertain significance. Last evaluated: 2024-03-19. Review status: criteria provided, single submitter. Criteria: LabCorp Variant Classification Summary - May 2015. Collection method: clinical testing. Allele origin: germline.
Comment: Variant summary: CFTR c.1654C>A (p.Gln552Lys) results in a conservative amino acid change located in the feirst ATP-binding domain (IPR003439) of the encoded protein sequence. Three of four in-silico tools predict a damaging effect of the variant on protein function. The variant was absent in 250858 control chromosomes (gnomAD v2.1). The available data on variant occurrences in the general population are insufficient to allow any conclusion about variant significance. c.1654C>A has been reported in the literature in at least one individual affected with Cystic Fibrosis (da Silva Filho_2020). These report(s) do not provide unequivocal conclusions about association of the variant with Cystic Fibrosis. To our knowledge, no experimental evidence demonstrating an impact on protein function has been reported. ClinVar contains an entry for this variant (Variation ID: 618899). Based on the evidence outlined above, the variant was classified as uncertain significance.

Mendelics
Classification: Likely pathogenic for Cystic fibrosis. Last evaluated: 2018-11-05. Review status: criteria provided, single submitter. Criteria: Mendelics Assertion Criteria 2017. Collection method: clinical testing. Allele origin: unknown. Affected: yes.

Literature cited by the submitters: PubMed 32819855 (cited by Women's Health and Genetics/Laboratory Corporation of America, LabCorp).

NM_000492.4(CFTR):c.1654C>A (p.Gln552Lys)

Genes: CFTR (CF transmembrane conductance regulator; plus strand), LOC111674475 (CFTR intron 11 enhancer; plus strand). Cytogenetic location: 7q31.2.
Variant type: single nucleotide variant.
Coding change: c.1654C>A on transcript NM_000492.4 (MANE Select); coding-DNA position 1654, C replaced by A.
Protein change: p.Gln552Lys; replaces glutamine 552 with lysine.
Molecular consequence: missense variant.
Genome position (GRCh38, 1-based): chr7:117,587,808, C>A. VCF-style: chr7-117587808-C-A. GRCh37 (hg19) VCF-style: chr7-117227862-C-A.
Other names: short protein forms Q552K.
Identifiers: ClinVar variation 618899 (VCV000618899.5), dbSNP rs76554633, ClinGen allele CA368976108.